The following is an entry in ClinVar:

NM_133459.4(CCBE1):c.342T>C (p.Tyr114=)

Gene: CCBE1 (collagen and calcium binding EGF domains 1; minus strand). Cytogenetic location: 18q21.32.
Variant type: single nucleotide variant.
Coding change: c.342T>C on transcript NM_133459.4 (MANE Select); coding-DNA position 342, T replaced by C.
Protein change: p.Tyr114=; no amino-acid change (tyrosine 114 retained).
Molecular consequence: synonymous variant.
Genome position (GRCh38, 1-based): chr18:59,469,531, A>G on the plus strand (T>C on the coding strand, the complement: CCBE1 is on the minus strand). VCF-style: chr18-59469531-A-G. GRCh37 (hg19) VCF-style: chr18-57136763-A-G.
Identifiers: ClinVar variation 888652 (VCV000888652.26), dbSNP rs114504060, ClinGen allele CA8980537.

ClinVar aggregate classification (germline): Conflicting classifications of pathogenicity. Review status: criteria provided, conflicting classifications (1 of 4 stars). 4 submissions from 4 submitters: Uncertain significance (1); Likely benign (3). Last evaluated 2026-01-08.

Conditions:
Hennekam lymphangiectasia-lymphedema syndrome 1 (HKLLS1). Also called: LYMPHATIC DYSPLASIA, GENERALIZED. Identifiers: Orphanet 2136, MedGen C4012050, MONDO:0009337, OMIM 235510.

Allele frequency attached by ClinVar (database versions not stated): gnomAD 0.00002 and 0.00005; TOPMed 0.00003; gnomAD exomes 0.00009 and 0.00015; ExAC 0.00016; 1000 Genomes Project 30x 0.00031; 1000 Genomes Project 0.00040.
gnomAD v4.1: 145 of 1,614,218 alleles (0.009%); highest among the groups gnomAD compares: South Asian, 0.14%; no homozygotes.

Submissions (4):

Labcorp Genetics (formerly Invitae), Labcorp
Classification: Likely benign. Last evaluated: 2026-01-08. Review status: criteria provided, single submitter. Criteria: Invitae Variant Classification Sherloc (09022015). Collection method: clinical testing. Allele origin: germline.

CeGaT Center for Human Genetics Tuebingen
Classification: Likely benign. Last evaluated: 2024-10-01. Review status: criteria provided, single submitter. Criteria: CeGaT Center For Human Genetics Tuebingen Variant Classification Criteria Version 2. Collection method: clinical testing. Allele origin: germline. Affected: yes. Observed: 1 variant allele.
Comment: CCBE1: BP4, BP7

Blueprint Genetics
Classification: Likely benign. Last evaluated: 2024-03-14. Review status: criteria provided, single submitter. Criteria: ACMG Guidelines, 2015. Collection method: clinical testing. Allele origin: germline.

Illumina Laboratory Services, Illumina
Classification: Uncertain significance for Hennekam lymphangiectasia-lymphedema syndrome 1. Last evaluated: 2018-01-13. Review status: criteria provided, single submitter. Criteria: ICSL Variant Classification Criteria 13 December 2019. Collection method: clinical testing. Allele origin: germline.